The following is an entry in ClinVar:

ClinVar aggregate classification (germline): Likely pathogenic (0 of 4 stars; one submission).

Conditions:
Muscle eye brain disease (MEB). Also called: Santavuori congenital muscular dystrophy. Identifiers: Orphanet 588, Orphanet 899, MedGen C0457133, MONDO:0018939.

Submission:

Juha Muilu Group; Institute for Molecular Medicine Finland (FIMM)
Classification: Likely pathogenic for Muscle eye brain disease. Review status: no assertion criteria provided. Collection method: not provided. Allele origin: unknown.
Comment: FinDis database variant: This variant was not found or characterized by our laboratory, data were collected from public sources: see reference
ClinVar note: Converted during submission from probable-pathogenic to Likely pathogenic.

NM_017739.4(POMGNT1):c.806G>A (p.Cys269Tyr)

Genes: POMGNT1 (protein O-linked mannose N-acetylglucosaminyltransferase 1 (beta 1,2-); minus strand), TSPAN1 (tetraspanin 1; plus strand). Cytogenetic location: 1p34.1.
Variant type: single nucleotide variant.
Coding change: c.806G>A on transcript NM_017739.4 (MANE Select); coding-DNA position 806, G replaced by A.
Protein change: p.Cys269Tyr; replaces cysteine 269 with tyrosine.
Molecular consequence: missense variant.
Genome position (GRCh38, 1-based): chr1:46,194,347, C>T on the plus strand (G>A on the coding strand, the complement: POMGNT1 is on the minus strand). VCF-style: chr1-46194347-C-T. GRCh37 (hg19) VCF-style: chr1-46660019-C-T.
Other names: c.806G>A, p.Cys269Tyr (NM_001243766.2, NM_001410783.1); c.740G>A, p.Cys247Tyr (NM_001290129.3); c.377G>A, p.Cys126Tyr (NM_001290130.2); short protein forms C269Y, C247Y, C126Y.
Identifiers: ClinVar variation 56607 (VCV000056607.2), dbSNP rs386834037, ClinGen allele CA263987.